The following is an entry in ClinVar:

NM_001127222.2(CACNA1A):c.6614G>A (p.Arg2205Gln)

Gene: CACNA1A (calcium voltage-gated channel subunit alpha1 A; minus strand). Cytogenetic location: 19p13.13.
Variant type: single nucleotide variant.
Coding change: c.6614G>A on transcript NM_001127222.2 (MANE Select); coding-DNA position 6614, G replaced by A.
Protein change: p.Arg2205Gln; replaces arginine 2205 with glutamine.
Molecular consequence: missense variant.
Genome position (GRCh38, 1-based): chr19:13,208,922, C>T on the plus strand (G>A on the coding strand, the complement: CACNA1A is on the minus strand). VCF-style: chr19-13208922-C-T. GRCh37 (hg19) VCF-style: chr19-13319736-C-T.
Other names: c.6632G>A, p.Arg2211Gln (NM_000068.4, NM_023035.3); c.6617G>A, p.Arg2206Gln (NM_001127221.2); c.6623G>A, p.Arg2208Gln (NM_001174080.2); short protein forms R2206Q, R2205Q, R2208Q, R2211Q.
Identifiers: ClinVar variation 476273 (VCV000476273.10), dbSNP rs756685971, ClinGen allele CA9239321.

ClinVar aggregate classification (germline): Uncertain significance. Review status: criteria provided, multiple submitters, no conflicts (2 of 4 stars). 3 submissions from 3 submitters: Uncertain significance (3). Last evaluated 2026-07-01.

Conditions:
Episodic ataxia type 2 (EA2). Also called: ACETAZOLAMIDE-RESPONSIVE HEREDITARY PAROXYSMAL CEREBELLAR ATAXIA; ATAXIA, EPISODIC, WITH NYSTAGMUS; ATAXIA, FAMILIAL PAROXYSMAL; CEREBELLAR ATAXIA, PAROXYSMAL, ACETAZOLAMIDE-RESPONSIVE; CEREBELLOPATHY, HEREDITARY PAROXYSMAL; EPISODIC ATAXIA, NYSTAGMUS-ASSOCIATED. Identifiers: Orphanet 97, MedGen C1720416, MONDO:0007163, OMIM 108500.
Developmental and epileptic encephalopathy, 42 (DEE42A). Also called: Epileptic encephalopathy, early infantile, 42; DEVELOPMENTAL AND EPILEPTIC ENCEPHALOPATHY 42A; EPILEPTIC ENCEPHALOPATHY, EARLY INFANTILE, 42A. Identifiers: MedGen C4310716, MONDO:0014917, OMIM 617106.

Allele frequency attached by ClinVar (database versions not stated): gnomAD exomes 0.00001 and 0.00003; gnomAD 0.00003; TOPMed 0.00003; ExAC 0.00006.
gnomAD v4.1: 23 of 1,537,122 alleles (0.0015%); highest among the groups gnomAD compares: Admixed American, 0.0059%; no homozygotes.

Submissions (3):

CeGaT Center for Human Genetics Tuebingen
Classification: Uncertain significance. Last evaluated: 2026-07-01. Review status: criteria provided, single submitter. Criteria: CeGaT Center For Human Genetics Tuebingen Variant Classification Criteria Version 2. Collection method: clinical testing. Allele origin: germline. Affected: yes. Observed: 1 variant allele.
Comment: CACNA1A: PP3

Labcorp Genetics (formerly Invitae), Labcorp
Classification: Uncertain significance for Developmental and epileptic encephalopathy, 42; Episodic ataxia type 2. Last evaluated: 2026-01-28. Review status: criteria provided, single submitter. Criteria: Invitae Variant Classification Sherloc (09022015). Collection method: clinical testing. Allele origin: germline.
Comment: This sequence change replaces arginine, which is basic and polar, with glutamine, which is neutral and polar, at codon 2206 of the CACNA1A protein (p.Arg2206Gln). This variant is present in population databases (rs756685971, gnomAD 0.008%). This missense change has been observed in individual(s) with clinical features of CACNA1A-related conditions (PMID: 34806130). ClinVar contains an entry for this variant (Variation ID: 476273). Invitae Evidence Modeling of protein sequence and biophysical properties (such as structural, functional, and spatial information, amino acid conservation, physicochemical variation, residue mobility, and thermodynamic stability) has been performed for this missense variant. However, the output from this modeling did not meet the statistical confidence thresholds required to predict the impact of this variant on CACNA1A protein function. In summary, the available evidence is currently insufficient to determine the role of this variant in disease. Therefore, it has been classified as a Variant of Uncertain Significance.

GeneDx
Classification: Uncertain significance. Last evaluated: 2022-05-24. Review status: criteria provided, single submitter. Criteria: GeneDx Variant Classification Process June 2021. Collection method: clinical testing. Allele origin: germline. Affected: yes.
Comment: In silico analysis supports that this missense variant has a deleterious effect on protein structure/function; Has not been previously published as pathogenic or benign to our knowledge

Literature cited by the submitters: PubMed 34806130 (cited by Labcorp Genetics (formerly Invitae), Labcorp).